The following is an entry in ClinVar:

NM_001267550.2(TTN):c.39351del (p.Glu13118fs)

Gene: TTN (titin; minus strand). Cytogenetic location: 2q31.2.
Variant type: Deletion.
Coding change: c.39351del on transcript NM_001267550.2 (MANE Select); coding-DNA position 39351, one base deleted (A; older notation c.39351delA).
Protein change: p.Glu13118fs; shifts the reading frame from glutamic acid 13118.
Molecular consequence: frameshift variant. On other transcripts: intron variant (3).
Genome position (GRCh38, 1-based): chr2:178,651,912, T deleted on the plus strand (A on the coding strand, the reverse complement: TTN is on the minus strand); the first of 2 consecutive T bases (chr2:178,651,912-178,651,913); deleting either gives the same sequence. VCF-style (leftmost placement, unchanged base first): chr2-178651911-CT-C. GRCh37 (hg19) VCF-style: chr2-179516638-CT-C.
Other names: c.34830del, p.Glu11611fs (NM_001256850.1); c.32049del, p.Glu10684fs (NM_133378.4); c.13283-9595del (NM_003319.4); c.13859-9595del (NM_133437.4); c.13658-9595del (NM_133432.3); short protein forms E10684fs, E13118fs, E11611fs.
Identifiers: ClinVar variation 4787818 (VCV004787818.1).

ClinVar aggregate classification (germline): Likely pathogenic (1 of 4 stars; one submission).

Conditions:
Autosomal recessive limb-girdle muscular dystrophy type 2J (LGMDR10). Also called: Limb-girdle muscular dystrophy, type 2J; MUSCULAR DYSTROPHY, LIMB-GIRDLE, AUTOSOMAL RECESSIVE 10. Identifiers: Orphanet 140922, MedGen C1837342, MONDO:0012127, OMIM 608807.
Dilated cardiomyopathy 1G (CMD1G). Identifiers: Orphanet 154, MedGen C1858763, MONDO:0011400, OMIM 604145.

Submission:

Labcorp Genetics (formerly Invitae), Labcorp
Classification: Likely pathogenic for Dilated cardiomyopathy 1G; Autosomal recessive limb-girdle muscular dystrophy type 2J. Last evaluated: 2025-09-12. Review status: criteria provided, single submitter. Criteria: Invitae Variant Classification Sherloc (09022015). Collection method: clinical testing. Allele origin: germline.
Comment: This sequence change creates a premature translational stop signal (p.Glu13118Serfs*10) in the TTN gene. While this is not anticipated to result in nonsense mediated decay, it is expected to create a truncated TTN protein. This variant is present in population databases (no rsID available, gnomAD 0.007%). This premature translational stop signal has been observed in individual(s) with early onset atrial fibrillation (PMID: 30535219). This variant is located in the I band of TTN (PMID: 25589632). Truncating variants in this region have been reported in individuals affected with autosomal recessive centronuclear myopathy (PMID: 23975875, internal data). Truncating variants in this region have also been identified in individuals affected with autosomal dominant dilated cardiomyopathy and/or cardio-related conditions (PMID: 27869827, 32964742, internal data). In summary, the currently available evidence indicates that the variant is pathogenic, but additional data are needed to prove that conclusively. Therefore, this variant has been classified as Likely Pathogenic.

Literature cited by the submitters: PubMed 30535219; PubMed 25589632; PubMed 23975875; PubMed 27869827; PubMed 32964742.